The following is an entry in ClinVar:

ClinVar aggregate classification (germline): Conflicting classifications of pathogenicity. Review status: criteria provided, conflicting classifications (1 of 4 stars). 4 submissions from 4 submitters: Likely pathogenic (2); Uncertain significance (1). 1 of the submissions does not count toward it. Last evaluated 2023-01-10.

Conditions:
Intellectual developmental disorder, autosomal dominant 57. Also called: MENTAL RETARDATION, AUTOSOMAL DOMINANT 57; Intellectual disability, autosomal dominant 57. Identifiers: MedGen C4748003, MONDO:0054837, OMIM 618050.
TLK2-related disorder. Also called: TLK2-related condition.

Submissions (4):

Blueprint Genetics
Classification: Likely pathogenic for TLK2-related disorders. Last evaluated: 2023-01-10. Review status: criteria provided, single submitter. Criteria: ACMG Guidelines, 2015. Collection method: clinical testing. Allele origin: germline. Affected: yes. Observed: 1 variant allele.

SIB Swiss Institute of Bioinformatics
Classification: Uncertain significance for Intellectual developmental disorder, autosomal dominant 57. Last evaluated: 2018-10-15. Review status: criteria provided, single submitter. Criteria: ACMG Guidelines, 2015. Collection method: curation. Allele origin: germline.
Comment: This variant is interpreted as Uncertain Significance - Insufficient Evidence, for Mental retardation, autosomal dominant 57. The following ACMG Tag(s) were applied: PM2 => Absent from controls (or at extremely low frequency if recessive) in Exome Sequencing Project, 1000 Genomes Project, or Exome Aggregation Consortium. PP3 => Multiple lines of computational evidence support a deleterious effect on the gene or gene product. PM6 => Assumed de novo, but without confirmation of paternity and maternity (PubMed 29861108).

Institute of Human Genetics, University Hospital of Duesseldorf
Classification: Likely pathogenic for Intellectual developmental disorder, autosomal dominant 57. Review status: criteria provided, single submitter. Criteria: ACMG Guidelines, 2015. Collection method: not provided. Allele origin: germline. Inheritance: Autosomal dominant inheritance. Affected: yes.

OMIM
Classification: Pathogenic for INTELLECTUAL DEVELOPMENTAL DISORDER, AUTOSOMAL DOMINANT 57. Last evaluated: 2022-04-29. Review status: no assertion criteria provided. Collection method: literature only. Allele origin: germline. Not counted in ClinVar's aggregate classification.

Literature cited by the submitters: PubMed 29861108 (cited by SIB Swiss Institute of Bioinformatics and OMIM).

NM_006852.6(TLK2):c.890G>A (p.Gly297Asp)

Gene: TLK2 (tousled like kinase 2; plus strand). Cytogenetic location: 17q23.2.
Variant type: single nucleotide variant.
Coding change: c.890G>A on transcript NM_006852.6 (MANE Select); coding-DNA position 890, G replaced by A.
Protein change: p.Gly297Asp; replaces glycine 297 with aspartic acid.
Molecular consequence: missense variant.
Genome position (GRCh38, 1-based): chr17:62,565,059, G>A. VCF-style: chr17-62565059-G-A. GRCh37 (hg19) VCF-style: chr17-60642420-G-A.
Other names: c.890G>A, p.Gly297Asp (NM_001284333.3, NM_001375270.1, NM_001375271.1); c.794G>A, p.Gly265Asp (NM_001284363.1, NM_001375272.1); c.443G>A, p.Gly148Asp (NM_001330418.3, NM_001375273.1); c.932G>A, p.Gly311Asp (NM_001375269.1); short protein forms G297D, G148D, G265D, G311D.
Identifiers: ClinVar variation 548937 (VCV000548937.4), dbSNP rs1555639254, ClinGen allele CA400499551.